The following is an entry in ClinVar:

NM_014159.7(SETD2):c.2878C>A (p.Gln960Lys)

Gene: SETD2 (SET domain containing 2, histone lysine methyltransferase; minus strand). Cytogenetic location: 3p21.31.
Variant type: single nucleotide variant.
Coding change: c.2878C>A on transcript NM_014159.7 (MANE Select); coding-DNA position 2878, C replaced by A.
Protein change: p.Gln960Lys; replaces glutamine 960 with lysine.
Molecular consequence: missense variant. On other transcripts: non-coding transcript variant (1).
Genome position (GRCh38, 1-based): chr3:47,121,758, G>T on the plus strand (C>A on the coding strand, the complement: SETD2 is on the minus strand). VCF-style: chr3-47121758-G-T. GRCh37 (hg19) VCF-style: chr3-47163248-G-T.
Other names: c.2746C>A, p.Gln916Lys (NM_001349370.3); short protein forms Q916K, Q960K.
Identifiers: ClinVar variation 4847908 (VCV004847908.1).

ClinVar aggregate classification (germline): Uncertain significance (1 of 4 stars; one submission).

Submission:

Women's Health and Genetics/Laboratory Corporation of America, LabCorp
Classification: Uncertain significance. Last evaluated: 2026-02-11. Review status: criteria provided, single submitter. Criteria: LabCorp Variant Classification Summary - May 2015. Collection method: clinical testing. Allele origin: germline.
Comment: Variant summary: SETD2 c.2878C>A (p.Gln960Lys) results in a conservative amino acid change in the encoded protein sequence. Algorithms developed to predict the effect of missense changes on protein structure and function all suggest that this variant is likely to be tolerated. The variant was absent in 251330 control chromosomes. The available data on variant occurrences in the general population are insufficient to allow any conclusion about variant significance. To our knowledge, no occurrence of c.2878C>A in individuals affected with SETD2-related conditions and no experimental evidence demonstrating its impact on protein function have been reported. No submitters have cited clinical-significance assessments for this variant to ClinVar. Based on the evidence outlined above, the variant was classified as uncertain significance.